The following is an entry in ClinVar:

NM_000136.3(FANCC):c.*1516A>G

Genes: AOPEP (aminopeptidase O (putative); plus strand), FANCC (FA complementation group C; minus strand). Cytogenetic location: 9q22.32.
Variant type: single nucleotide variant.
Coding change: c.*1516A>G on transcript NM_000136.3 (MANE Select); 1516 bases downstream of the stop codon, A replaced by G.
Molecular consequence: 3 prime UTR variant.
Genome position (GRCh38, 1-based): chr9:95,100,191, T>C on the plus strand (A>G on the coding strand, the complement: FANCC is on the minus strand). VCF-style: chr9-95100191-T-C. GRCh37 (hg19) VCF-style: chr9-97862473-T-C.
Other names: c.*1516A>G (NM_001243743.2).
Identifiers: ClinVar variation 367583 (VCV000367583.5), dbSNP rs541816451, ClinGen allele CA10634514.

ClinVar aggregate classification (germline): Likely benign (1 of 4 stars; one submission).

Conditions:
Fanconi anemia complementation group C (FANCC). Also called: FANCONI PANCYTOPENIA, TYPE 3; FACC; Fanconi anemia, group C; FANCC-Related Fanconi Anemia. Identifiers: Orphanet 84, MedGen C3468041, MONDO:0009213, OMIM 227645.

Allele frequency attached by ClinVar (database versions not stated): TOPMed below 0.00001; gnomAD 0.00001 and 0.00005; gnomAD exomes 0.00003; 1000 Genomes Project 30x 0.00047; 1000 Genomes Project 0.00060.
gnomAD v4.1: 10 of 232,022 alleles (0.0043%); highest among the groups gnomAD compares: South Asian, 0.11%; 1 homozygote.

Submission:

Illumina Laboratory Services, Illumina
Classification: Likely benign for Fanconi anemia complementation group C. Last evaluated: 2018-01-13. Review status: criteria provided, single submitter. Criteria: ICSL Variant Classification Criteria 13 December 2019. Collection method: clinical testing. Allele origin: germline.
Comment: This variant was observed in the ICSL laboratory as part of a predisposition screen in an ostensibly healthy population. It had not been previously curated by ICSL or reported in the Human Gene Mutation Database (HGMD: prior to June 1st, 2018), and was therefore a candidate for classification through an automated scoring system. Utilizing variant allele frequency, disease prevalence and penetrance estimates, and inheritance mode, an automated score was calculated to assess if this variant is too frequent to cause the disease. Based on the score and internal cut-off values, a variant classified as likely benign is not then subjected to further curation. The score for this variant resulted in a classification of likely benign for this disease.